The following is an entry in ClinVar:

NM_017780.4(CHD7):c.7720C>A (p.Leu2574Ile)

Gene: CHD7 (chromodomain helicase DNA binding protein 7; plus strand). Cytogenetic location: 8q12.2.
Variant type: single nucleotide variant.
Coding change: c.7720C>A on transcript NM_017780.4 (MANE Select); coding-DNA position 7720, C replaced by A.
Protein change: p.Leu2574Ile; replaces leucine 2574 with isoleucine.
Molecular consequence: missense variant. On other transcripts: intron variant (1).
Genome position (GRCh38, 1-based): chr8:60,861,015, C>A. VCF-style: chr8-60861015-C-A. GRCh37 (hg19) VCF-style: chr8-61773574-C-A.
Other names: c.1717-1214C>A (NM_001316690.1); short protein forms L2574I.
Identifiers: ClinVar variation 4824202 (VCV004824202.1).

ClinVar aggregate classification (germline): Uncertain significance (1 of 4 stars; one submission).

Conditions:
Inborn genetic diseases. Identifiers: MedGen C0950123, MeSH D030342.

gnomAD v4.1: 4 of 1,613,880 alleles (0.00025%); highest among the groups gnomAD compares: African/African-American, 0.004%; no homozygotes.

Submission:

Ambry Genetics
Classification: Uncertain significance for Inborn genetic diseases. Last evaluated: 2026-01-24. Review status: criteria provided, single submitter. Criteria: Ambry Variant Classification Scheme 2023. Collection method: clinical testing. Allele origin: germline.
Comment: The p.L2574I variant (also known as c.7720C>A), located in coding exon 34 of the CHD7 gene, results from a C to A substitution at nucleotide position 7720. The leucine at codon 2574 is replaced by isoleucine, an amino acid with highly similar properties. This amino acid position is conserved. In addition, this alteration is predicted to be tolerated by in silico analysis. Based on the available evidence, the clinical significance of this variant remains unclear.